The following is an entry in ClinVar:

NM_001378969.1(KCND3):c.-30G>A

Gene: KCND3 (potassium voltage-gated channel subfamily D member 3; minus strand). Cytogenetic location: 1p13.2.
Variant type: single nucleotide variant.
Coding change: c.-30G>A on transcript NM_001378969.1 (MANE Select); 30 bases upstream of the start codon, G replaced by A.
Molecular consequence: 5 prime UTR variant.
Genome position (GRCh38, 1-based): chr1:111,982,756, C>T on the plus strand (G>A on the coding strand, the complement: KCND3 is on the minus strand). VCF-style: chr1-111982756-C-T. GRCh37 (hg19) VCF-style: chr1-112525378-C-T.
Other names: c.-30G>A (NM_001378970.1, NM_004980.5, NM_172198.3).
Identifiers: ClinVar variation 509103 (VCV000509103.1), dbSNP rs753351881, ClinGen allele CA1007673.

ClinVar aggregate classification (germline): Likely benign (1 of 4 stars; one submission).

Allele frequency attached by ClinVar (database versions not stated): gnomAD 0.00011 and 0.00012; TOPMed 0.00011; ExAC 0.00013; gnomAD exomes 0.00018.
gnomAD v4.1: 124 of 1,586,380 alleles (0.0078%); highest among the groups gnomAD compares: Admixed American, 0.067%; 1 homozygote.

Submission:

GeneDx
Classification: Likely benign. Last evaluated: 2017-04-21. Review status: criteria provided, single submitter. Criteria: GeneDx Variant Classification (06012015). Collection method: clinical testing. Allele origin: germline. Affected: yes.
Comment: This variant is considered likely benign or benign based on one or more of the following criteria: it is a conservative change, it occurs at a poorly conserved position in the protein, it is predicted to be benign by multiple in silico algorithms, and/or has population frequency not consistent with disease.